The following continues an entry in ClinVar:

NM_000256.3(MYBPC3):c.1624G>C (p.Glu542Gln)

Gene: MYBPC3. ClinVar aggregate classification (germline): Pathogenic/Likely pathogenic. Pathogenic (33); Likely pathogenic (1).

Submissions 36 to 41 of 41:

Donald Williams Parsons Laboratory, Baylor College of Medicine
Classification: Pathogenic for Hypertrophic cardiomyopathy 4; Left ventricular noncompaction 10. Last evaluated: 2014-06-09. Review status: no assertion criteria provided. Collection method: research. Allele origin: germline. Inheritance: Autosomal dominant inheritance. Observed: 1 variant allele, 1 heterozygote. Study: CSER-BASIC3. Not counted in ClinVar's aggregate classification.
Comment: This variant has been previously reported as disease-causing.

CSER _CC_NCGL, University of Washington
Classification: Pathogenic for Cardiomyopathy, hypertrophic. Last evaluated: 2014-06-01. Review status: no assertion criteria provided. Collection method: research. Allele origin: germline. Inheritance: Autosomal dominant inheritance. Study: ESP 6500 variant annotation. Not counted in ClinVar's aggregate classification.
Comment: Variants classified for the Actionable exomic incidental findings in 6503 participants: challenges of variant classification manuscript

OMIM
Classification: Pathogenic for CARDIOMYOPATHY, FAMILIAL HYPERTROPHIC, 4. Last evaluated: 1997-03-01. Review status: no assertion criteria provided. Collection method: literature only. Allele origin: germline. Not counted in ClinVar's aggregate classification.

Clinical Genetics DNA and cytogenetics Diagnostics Lab, Erasmus MC, Erasmus Medical Center
Classification: Pathogenic. Review status: no assertion criteria provided. Collection method: clinical testing. Allele origin: germline. Affected: yes. Study: VKGL Data-share Consensus. Not counted in ClinVar's aggregate classification.

Joint Genome Diagnostic Labs from Nijmegen and Maastricht, Radboudumc and MUMC+
Classification: Pathogenic. Review status: no assertion criteria provided. Collection method: clinical testing. Allele origin: germline. Affected: yes. Study: VKGL Data-share Consensus. Not counted in ClinVar's aggregate classification.

HudsonAlpha Institute for Biotechnology
Classification: Pathogenic for Hypertrophic cardiomyopathy 4. Last evaluated: 2015-12-10. Review status: flagged submission. Criteria: HA_assertions_20150911. Collection method: research. Allele origin: unknown. Observed: 1 variant allele. Study: CSER-HudsonAlpha. Not counted in ClinVar's aggregate classification.
ClinVar note: Reason: This record appears to be redundant with a more recent record from the same submitter.
ClinVar note: Notes: SCV000584103 appears to be redundant with SCV000993585.

Literature cited by the submitters: PubMed 9048664 (cited by 12 submitters); PubMed 9631872 (cited by 7 submitters); PubMed 15519027 (cited by 7 submitters); PubMed 16199542 (cited by 8 submitters); PubMed 18533079 (cited by 10 submitters); PubMed 20433692 (cited by 10 submitters); PubMed 25031304 (cited by 8 submitters); PubMed 27532257 (cited by 8 submitters); PubMed 17576681 (cited by Labcorp Genetics (formerly Invitae), Labcorp); PubMed 9536098 (cited by Labcorp Genetics (formerly Invitae), Labcorp); PubMed 22057632 (cited by 11 submitters); PubMed 19574547 (cited by Variantyx, Inc.); PubMed 37652022 (cited by Variantyx, Inc.); PubMed 19150014 (cited by 6 submitters); PubMed 20378854 (cited by 3 submitters); PubMed 28538763 (cited by 3 submitters); PubMed 28615295 (cited by Ambry Genetics); PubMed 30645170 (cited by 3 submitters); PubMed 10610770 (cited by 6 submitters); PubMed 12707239 (cited by 5 submitters); PubMed 16858239 (cited by 4 submitters); PubMed 20738943 (cited by 3 submitters); PubMed 21239446 (cited by 4 submitters); PubMed 24093860 (cited by 4 submitters); PubMed 27483260 (cited by 3 submitters); PubMed 28679633 (cited by 4 submitters); PubMed 34097875 (cited by Color Diagnostics, LLC DBA Color Health and Mayo Clinic Laboratories, Mayo Clinic); PubMed 36138163 (cited by Color Diagnostics, LLC DBA Color Health); PubMed 37821546 (cited by Color Diagnostics, LLC DBA Color Health); PubMed 28658286 (cited by Mayo Clinic Laboratories, Mayo Clinic and AiLife Diagnostics); PubMed 25637381 (cited by AiLife Diagnostics and Phosphorus, Inc.); PubMed 23299917 (cited by 4 submitters); PubMed 30609409 (cited by AiLife Diagnostics); PubMed 31514951 (cited by AiLife Diagnostics); PubMed 28611029 (cited by AiLife Diagnostics); PubMed 32731933 (cited by AiLife Diagnostics); PubMed 29511324 (cited by AiLife Diagnostics); PubMed 31006259 (cited by AiLife Diagnostics); PubMed 32686758 (cited by AiLife Diagnostics); PubMed 29790872 (cited by AiLife Diagnostics); PubMed 29121657 (cited by AiLife Diagnostics); PubMed 31447099 (cited by AiLife Diagnostics); PubMed 22267749 (cited by 3 submitters); PubMed 2073894 (cited by Phosphorus, Inc. and Agnes Ginges Centre for Molecular Cardiology, Centenary Institute); PubMed 12117842 (cited by Phosphorus, Inc. and Agnes Ginges Centre for Molecular Cardiology, Centenary Institute); PubMed 16831826 (cited by Phosphorus, Inc. and Agnes Ginges Centre for Molecular Cardiology, Centenary Institute); PubMed 18414213 (cited by Phosphorus, Inc.); PubMed 21302287 (cited by Phosphorus, Inc. and Agnes Ginges Centre for Molecular Cardiology, Centenary Institute); PubMed 21835320 (cited by Phosphorus, Inc.); PubMed 21839045 (cited by Phosphorus, Inc. and Agnes Ginges Centre for Molecular Cardiology, Centenary Institute); PubMed 22765922 (cited by Phosphorus, Inc. and Agnes Ginges Centre for Molecular Cardiology, Centenary Institute); PubMed 23054336 (cited by Phosphorus, Inc.); PubMed 24793961 (cited by Phosphorus, Inc.); PubMed 25342278 (cited by Phosphorus, Inc. and Agnes Ginges Centre for Molecular Cardiology, Centenary Institute); PubMed 25524337 (cited by Phosphorus, Inc. and Agnes Ginges Centre for Molecular Cardiology, Centenary Institute); PubMed 25611685 (cited by Phosphorus, Inc.); PubMed 25740977 (cited by Phosphorus, Inc. and Agnes Ginges Centre for Molecular Cardiology, Centenary Institute); PubMed 26822237 (cited by Donald Williams Parsons Laboratory, Baylor College of Medicine).